The following is an entry in ClinVar:

ClinVar aggregate classification (germline): Benign/Likely benign. Review status: criteria provided, multiple submitters, no conflicts (2 of 4 stars). 2 submissions from 2 submitters: Benign (1); Likely benign (1). Last evaluated 2025-06-19.

Allele frequency attached by ClinVar (database versions not stated): gnomAD 0.00005; ExAC 0.00022; 1000 Genomes Project 30x 0.00031; 1000 Genomes Project 0.00040.
gnomAD v4.1: 159 of 1,613,944 alleles (0.0099%); highest among the groups gnomAD compares: South Asian, 0.16%; 2 homozygotes.

Submissions (2):

Labcorp Genetics (formerly Invitae), Labcorp
Classification: Benign. Last evaluated: 2025-06-19. Review status: criteria provided, single submitter. Criteria: Invitae Variant Classification Sherloc (09022015). Collection method: clinical testing. Allele origin: germline.

CeGaT Center for Human Genetics Tuebingen
Classification: Likely benign. Last evaluated: 2024-06-01. Review status: criteria provided, single submitter. Criteria: CeGaT Center For Human Genetics Tuebingen Variant Classification Criteria Version 2. Collection method: clinical testing. Allele origin: germline. Affected: yes. Observed: 1 variant allele.
Comment: KMT2E: BP4, BP7, BS1

NM_182931.3(KMT2E):c.4552T>C (p.Leu1518=)

Gene: KMT2E (lysine methyltransferase 2E (inactive); plus strand). Cytogenetic location: 7q22.3.
Variant type: single nucleotide variant.
Coding change: c.4552T>C on transcript NM_182931.3 (MANE Select); coding-DNA position 4552, T replaced by C.
Protein change: p.Leu1518=; no amino-acid change (leucine 1518 retained).
Molecular consequence: synonymous variant.
Genome position (GRCh38, 1-based): chr7:105,112,308, T>C. VCF-style: chr7-105112308-T-C. GRCh37 (hg19) VCF-style: chr7-104752755-T-C.
Other names: c.4426T>C, p.Leu1476= (NM_001410908.1); c.4552T>C, p.Leu1518= (NM_018682.4).
Identifiers: ClinVar variation 2416169 (VCV002416169.25), dbSNP rs546695982, ClinGen allele CA4424779.